The following is an entry in ClinVar:

NM_003718.5(CDK13):c.2952T>C (p.Ser984=)

Gene: CDK13 (cyclin dependent kinase 13; plus strand). Cytogenetic location: 7p14.1.
Variant type: single nucleotide variant.
Coding change: c.2952T>C on transcript NM_003718.5 (MANE Select); coding-DNA position 2952, T replaced by C.
Protein change: p.Ser984=; no amino-acid change (serine 984 retained).
Molecular consequence: synonymous variant.
Genome position (GRCh38, 1-based): chr7:40,078,774, T>C. VCF-style: chr7-40078774-T-C. GRCh37 (hg19) VCF-style: chr7-40118373-T-C.
Other names: c.2952T>C, p.Ser984= (NM_031267.4).
Identifiers: ClinVar variation 2040760 (VCV002040760.5), dbSNP rs1786600482, ClinGen allele CA454724397.

ClinVar aggregate classification (germline): Likely benign. Review status: criteria provided, multiple submitters, no conflicts (2 of 4 stars). 2 submissions from 2 submitters: Likely benign (2). Last evaluated 2026-09-01.

Allele frequency attached by ClinVar (database versions not stated): gnomAD exomes below 0.00001.
gnomAD v4.1: 1 of 1,552,682 alleles (0.000064%); highest among the groups gnomAD compares: Admixed American, 0.0018%; no homozygotes.

Submissions (2):

CeGaT Center for Human Genetics Tuebingen
Classification: Likely benign. Last evaluated: 2026-09-01. Review status: criteria provided, single submitter. Criteria: CeGaT Center For Human Genetics Tuebingen Variant Classification Criteria Version 2. Collection method: clinical testing. Allele origin: germline. Affected: yes. Observed: 1 variant allele.
Comment: CDK13: BP4, BP7

Labcorp Genetics (formerly Invitae), Labcorp
Classification: Likely benign. Last evaluated: 2025-04-17. Review status: criteria provided, single submitter. Criteria: Invitae Variant Classification Sherloc (09022015). Collection method: clinical testing. Allele origin: germline.